The following is an entry in ClinVar:

ClinVar aggregate classification (germline): Uncertain significance (1 of 4 stars; one submission).

Conditions:
Hypertrophic cardiomyopathy. Also called: HYPERTROPHIC MYOCARDIOPATHY. Identifiers: Orphanet 217569, MedGen C0007194, MeSH D002312, MONDO:0005045, HP:0001639.

gnomAD v4.1: 2 of 1,613,836 alleles (0.00012%); highest among the groups gnomAD compares: Non-Finnish European, 0.00017%; no homozygotes.

Submission:

Labcorp Genetics (formerly Invitae), Labcorp
Classification: Uncertain significance for Hypertrophic cardiomyopathy. Last evaluated: 2025-07-03. Review status: criteria provided, single submitter. Criteria: Invitae Variant Classification Sherloc (09022015). Collection method: clinical testing. Allele origin: germline.
Comment: This sequence change replaces lysine, which is basic and polar, with glutamic acid, which is acidic and polar, at codon 1528 of the MYOM1 protein (p.Lys1528Glu). This variant is present in population databases (no rsID available, gnomAD 0.0009%). This variant has not been reported in the literature in individuals affected with MYOM1-related conditions. Invitae Evidence Modeling of protein sequence and biophysical properties (such as structural, functional, and spatial information, amino acid conservation, physicochemical variation, residue mobility, and thermodynamic stability) indicates that this missense variant is not expected to disrupt MYOM1 protein function with a negative predictive value of 80%. In summary, the available evidence is currently insufficient to determine the role of this variant in disease. Therefore, it has been classified as a Variant of Uncertain Significance.

NM_003803.4(MYOM1):c.4582A>G (p.Lys1528Glu)

Gene: MYOM1 (myomesin 1; minus strand). Cytogenetic location: 18p11.31.
Variant type: single nucleotide variant.
Coding change: c.4582A>G on transcript NM_003803.4 (MANE Select); coding-DNA position 4582, A replaced by G.
Protein change: p.Lys1528Glu; replaces lysine 1528 with glutamic acid.
Molecular consequence: missense variant.
Genome position (GRCh38, 1-based): chr18:3,079,245, T>C on the plus strand (A>G on the coding strand, the complement: MYOM1 is on the minus strand). VCF-style: chr18-3079245-T-C. GRCh37 (hg19) VCF-style: chr18-3079243-T-C.
Other names: c.4294A>G, p.Lys1432Glu (NM_019856.2); short protein forms K1528E, K1432E.
Identifiers: ClinVar variation 4750654 (VCV004750654.1).
Genomic context (GRCh38, chr18:3,079,245, plus strand): 5'-CAGAGAGATCCACTGTCTTCTGATGTCCAGTTTTGCCATCAAAGAGCTCCATGACATACT[T>C]CCCTTTGTCATTCGGGGTGGGCTCGTTGATTTGTAGCCAGATCTGCTCTCCAGTGACCCC-3'
Protein context (NP_003794.3, residues 1518-1538): INEPTPNDKG[Lys1528Glu]YVMELFDGKT